The following is an entry in ClinVar:

ClinVar aggregate classification (germline): Uncertain significance (1 of 4 stars; one submission).

Conditions:
Perlman syndrome (PRLMNS). Identifiers: Orphanet 2849, MedGen C0796113, MONDO:0009965, OMIM 267000.

Allele frequency attached by ClinVar (database versions not stated): gnomAD exomes below 0.00001.
gnomAD v4.1: 4 of 1,614,192 alleles (0.00025%); highest among the groups gnomAD compares: African/African-American, 0.0013%; no homozygotes.

Submission:

Labcorp Genetics (formerly Invitae), Labcorp
Classification: Uncertain significance for Perlman syndrome. Last evaluated: 2023-11-14. Review status: criteria provided, single submitter. Criteria: Invitae Variant Classification Sherloc (09022015). Collection method: clinical testing. Allele origin: germline.
Comment: This sequence change replaces serine, which is neutral and polar, with glycine, which is neutral and non-polar, at codon 161 of the DIS3L2 protein (p.Ser161Gly). This variant is not present in population databases (gnomAD no frequency). This variant has not been reported in the literature in individuals affected with DIS3L2-related conditions. ClinVar contains an entry for this variant (Variation ID: 1060137). Algorithms developed to predict the effect of missense changes on protein structure and function output the following: SIFT: "Not Available"; PolyPhen-2: "Benign"; Align-GVGD: "Not Available". The glycine amino acid residue is found in multiple mammalian species, which suggests that this missense change does not adversely affect protein function. In summary, the available evidence is currently insufficient to determine the role of this variant in disease. Therefore, it has been classified as a Variant of Uncertain Significance.

NM_152383.5(DIS3L2):c.481A>G (p.Ser161Gly)

Gene: DIS3L2 (DIS3 like 3'-5' exoribonuclease 2; plus strand). Cytogenetic location: 2q37.1.
Variant type: single nucleotide variant.
Coding change: c.481A>G on transcript NM_152383.5 (MANE Select); coding-DNA position 481, A replaced by G.
Protein change: p.Ser161Gly; replaces serine 161 with glycine.
Molecular consequence: missense variant. On other transcripts: non-coding transcript variant (2).
Genome position (GRCh38, 1-based): chr2:232,087,601, A>G. VCF-style: chr2-232087601-A-G. GRCh37 (hg19) VCF-style: chr2-232952311-A-G.
Other names: c.481A>G, p.Ser161Gly (NM_001257281.2, NM_001257282.2); short protein forms S161G.
Identifiers: ClinVar variation 1060137 (VCV001060137.9), dbSNP rs2106309471, ClinGen allele CA351155071.